The following is an entry in ClinVar:

NM_004360.5(CDH1):c.2222T>G (p.Leu741Ter)

Gene: CDH1 (cadherin 1; plus strand). Cytogenetic location: 16q22.1.
Variant type: single nucleotide variant.
Coding change: c.2222T>G on transcript NM_004360.5 (MANE Select); coding-DNA position 2222, T replaced by G.
Protein change: p.Leu741Ter; replaces leucine 741 with a stop codon.
Molecular consequence: nonsense.
Genome position (GRCh38, 1-based): chr16:68,828,231, T>G. VCF-style: chr16-68828231-T-G. GRCh37 (hg19) VCF-style: chr16-68862134-T-G.
Other names: c.2039T>G, p.Leu680Ter (NM_001317184.2); c.674T>G, p.Leu225Ter (NM_001317185.2); c.257T>G, p.Leu86Ter (NM_001317186.2); short protein forms L225*, L680*, L741*, L86*.
Identifiers: ClinVar variation 2584281 (VCV002584281.2), dbSNP rs2152141461, ClinGen allele CA396469664.
Genomic context (GRCh38, chr16:68,828,231, plus strand): 5'-CAGTTCTGATTCTGCTGCTCTTGCTGTTTCTTCGGAGGAGAGCGGTGGTCAAAGAGCCCT[T>G]ACTGCCCCCAGAGGATGACACCCGGGACAACGTTTATTACTATGATGAAGAAGGAGGCGG-3'

ClinVar aggregate classification (germline): Pathogenic (1 of 4 stars; one submission).

Conditions:
Hereditary diffuse gastric adenocarcinoma (HDGC). Also called: DIFFUSE GASTRIC AND LOBULAR BREAST CANCER SYNDROME. Identifiers: Orphanet 26106, MedGen C1708349, MONDO:0007648, OMIM 137215.

Submission:

Myriad Genetics, Inc.
Classification: Pathogenic for Hereditary diffuse gastric adenocarcinoma. Last evaluated: 2023-06-15. Review status: criteria provided, single submitter. Criteria: Myriad Autosomal Dominant, Autosomal Recessive and X-Linked Classification Criteria (2023). Collection method: clinical testing. Allele origin: unknown.
Comment: This variant is considered pathogenic. This variant creates a termination codon and is predicted to result in premature protein truncation.